The following is an entry in ClinVar:

NM_001292063.2(OTOG):c.5804C>T (p.Thr1935Met)

Gene: OTOG (otogelin; plus strand). Cytogenetic location: 11p15.1.
Variant type: single nucleotide variant.
Coding change: c.5804C>T on transcript NM_001292063.2 (MANE Select); coding-DNA position 5804, C replaced by T.
Protein change: p.Thr1935Met; replaces threonine 1935 with methionine.
Molecular consequence: missense variant.
Genome position (GRCh38, 1-based): chr11:17,611,104, C>T. VCF-style: chr11-17611104-C-T. GRCh37 (hg19) VCF-style: chr11-17632651-C-T.
Other names: c.5840C>T, p.Thr1947Met (NM_001277269.2); short protein forms T1947M, T1935M.
Identifiers: ClinVar variation 226900 (VCV000226900.20), dbSNP rs7111528, ClinGen allele CA5905953.
Genomic context (GRCh38, chr11:17,611,104, plus strand): 5'-AGCAAGTGTCTCTGCCCACTTCCATGTATGGTTCTGCAGAGGGTGGGCCCACAGAGCTCA[C>T]GCCTGCTACGAGCCACCCTCTCACGCCCTTGGTGGCTGAGCCCGAGGGAGCCCAGGCAGG-3'
Protein context (NP_001278992.1, residues 1925-1945): GSAEGGPTEL[Thr1935Met]PATSHPLTPL

ClinVar aggregate classification (germline): Benign. Review status: criteria provided, multiple submitters, no conflicts (2 of 4 stars). 7 submissions from 7 submitters: Benign (5). 2 of the submissions do not count toward it. Last evaluated 2026-02-04.

Allele frequency attached by ClinVar (database versions not stated): gnomAD 0.39131; TOPMed 0.39293; 1000 Genomes Project 0.40315; 1000 Genomes Project 30x 0.40069; ExAC 0.40529.
gnomAD v4.1: 579,124 of 1,550,336 alleles (37%); highest among the groups gnomAD compares: African/African-American, 52%; 110,870 homozygotes.

Submissions (7):

Labcorp Genetics (formerly Invitae), Labcorp
Classification: Benign. Last evaluated: 2026-02-04. Review status: criteria provided, single submitter. Criteria: Invitae Variant Classification Sherloc (09022015). Collection method: clinical testing. Allele origin: germline.

Mayo Clinic Laboratories, Mayo Clinic
Classification: Benign. Last evaluated: 2020-10-20. Review status: criteria provided, single submitter. Criteria: ACMG Guidelines, 2015. Collection method: clinical testing. Allele origin: germline. Observed: 91 variant alleles.

GeneDx
Classification: Benign. Last evaluated: 2017-05-09. Review status: criteria provided, single submitter. Criteria: GeneDx Variant Classification (06012015). Collection method: clinical testing. Allele origin: germline. Affected: yes.
Comment: This variant is considered likely benign or benign based on one or more of the following criteria: it is a conservative change, it occurs at a poorly conserved position in the protein, it is predicted to be benign by multiple in silico algorithms, and/or has population frequency not consistent with disease.

Laboratory for Molecular Medicine, Mass General Brigham Personalized Medicine
Classification: Benign. Last evaluated: 2014-11-24. Review status: criteria provided, single submitter. Criteria: LMM Criteria. Collection method: clinical testing. Allele origin: germline. Observed: 575 variant alleles.
Comment: Thr1947Met in exon 35 of OTOG: This variant is not expected to have clinical sig nificance because it has been identified in 58.2% (113/194) of Luhya (Kenyan) ch romosomes from a broad population by the 1000 Genomes Project (dbSNP rs7111528).

Breakthrough Genomics
Classification: Benign. Review status: criteria provided, single submitter. Criteria: ACMG Guidelines, 2015. Collection method: not provided. Allele origin: germline. Inheritance: Autosomal recessive inheritance. Affected: yes.

Diagnostic Laboratory, Department of Genetics, University Medical Center Groningen
Classification: Benign. Review status: no assertion criteria provided. Collection method: clinical testing. Allele origin: germline. Affected: yes. Study: VKGL Data-share Consensus. Not counted in ClinVar's aggregate classification.

Joint Genome Diagnostic Labs from Nijmegen and Maastricht, Radboudumc and MUMC+
Classification: Benign. Review status: no assertion criteria provided. Collection method: clinical testing. Allele origin: germline. Affected: yes. Study: VKGL Data-share Consensus. Not counted in ClinVar's aggregate classification.